The following is an entry in ClinVar:

ClinVar aggregate classification (germline): Conflicting classifications of pathogenicity. Review status: criteria provided, conflicting classifications (1 of 4 stars). 4 submissions from 4 submitters: Uncertain significance (1); Likely benign (3). Last evaluated 2026-01-28.

Conditions:
Glycogen storage disease, type VII (GSD7). Also called: GSD VII; MUSCLE PHOSPHOFRUCTOKINASE DEFICIENCY; PFKM DEFICIENCY; TARUI DISEASE. Identifiers: Orphanet 371, MedGen C0017926, MONDO:0009295, OMIM 232800.

Allele frequency attached by ClinVar (database versions not stated): ExAC 0.00008; gnomAD exomes 0.00008 and 0.00033; gnomAD 0.00011; TOPMed 0.00011; ESP Exome Variant Server 0.00015.
gnomAD v4.1: 482 of 1,610,136 alleles (0.03%); highest among the groups gnomAD compares: Non-Finnish European, 0.04%; no homozygotes.

Submissions (4):

Labcorp Genetics (formerly Invitae), Labcorp
Classification: Likely benign for Glycogen storage disease, type VII. Last evaluated: 2026-01-28. Review status: criteria provided, single submitter. Criteria: Invitae Variant Classification Sherloc (09022015). Collection method: clinical testing. Allele origin: germline.

Blueprint Genetics
Classification: Likely benign. Last evaluated: 2024-03-05. Review status: criteria provided, single submitter. Criteria: ACMG Guidelines, 2015. Collection method: clinical testing. Allele origin: germline.

Illumina Laboratory Services, Illumina
Classification: Uncertain significance for Glycogen storage disease, type VII. Last evaluated: 2018-01-13. Review status: criteria provided, single submitter. Criteria: ICSL Variant Classification Criteria 13 December 2019. Collection method: clinical testing. Allele origin: germline.

GeneDx
Classification: Likely benign. Last evaluated: 2016-08-08. Review status: criteria provided, single submitter. Criteria: GeneDx Variant Classification (06012015). Collection method: clinical testing. Allele origin: germline. Affected: yes.
Comment: This variant is considered likely benign or benign based on one or more of the following criteria: it is a conservative change, it occurs at a poorly conserved position in the protein, it is predicted to be benign by multiple in silico algorithms, and/or has population frequency not consistent with disease.

NM_000289.6(PFKM):c.638+15C>A

Gene: PFKM (phosphofructokinase, muscle; plus strand). Cytogenetic location: 12q13.11.
Variant type: single nucleotide variant.
Coding change: c.638+15C>A on transcript NM_000289.6 (MANE Select); 15 bases into the intron after coding-DNA position 638, C replaced by A.
Molecular consequence: intron variant.
Genome position (GRCh38, 1-based): chr12:48,134,291, C>A. VCF-style: chr12-48134291-C-A. GRCh37 (hg19) VCF-style: chr12-48528074-C-A.
Other names: c.662+15C>A (NM_001354741.2); c.638+15C>A (NM_001354742.2, NM_001354743.2, NM_001354744.2 and 4 more transcripts); c.488+15C>A (NM_001354747.2, NM_001354748.2); c.851+15C>A (NM_001166686.2, NM_001354737.1, NM_001354739.1 and 1 more transcripts); c.947+15C>A (NM_001354736.1, NM_001354735.1); c.782+15C>A (NM_001354740.1); c.551+15C>A (NM_001354745.2).
Identifiers: ClinVar variation 308950 (VCV000308950.13), dbSNP rs376150217, ClinGen allele CA6537060.